The following is an entry in ClinVar:

NM_000701.8(ATP1A1):c.12+5G>C

Gene: ATP1A1 (ATPase Na+/K+ transporting subunit alpha 1; plus strand). Cytogenetic location: 1p13.1.
Variant type: single nucleotide variant.
Coding change: c.12+5G>C on transcript NM_000701.8 (MANE Select); 5 bases into the intron after coding-DNA position 12, G replaced by C.
Molecular consequence: intron variant.
Genome position (GRCh38, 1-based): chr1:116,373,528, G>C. VCF-style: chr1-116373528-G-C. GRCh37 (hg19) VCF-style: chr1-116916150-G-C.
Identifiers: ClinVar variation 3643053 (VCV003643053.2).

ClinVar aggregate classification (germline): Uncertain significance (1 of 4 stars; one submission).

Submission:

Labcorp Genetics (formerly Invitae), Labcorp
Classification: Uncertain significance. Last evaluated: 2024-03-01. Review status: criteria provided, single submitter. Criteria: Invitae Variant Classification Sherloc (09022015). Collection method: clinical testing. Allele origin: germline.
Comment: This sequence change falls in intron 1 of the ATP1A1 gene. It does not directly change the encoded amino acid sequence of the ATP1A1 protein. It affects a nucleotide within the consensus splice site. This variant is not present in population databases (gnomAD no frequency). This variant has not been reported in the literature in individuals affected with ATP1A1-related conditions. Variants that disrupt the consensus splice site are a relatively common cause of aberrant splicing (PMID: 17576681, 9536098). Algorithms developed to predict the effect of sequence changes on RNA splicing suggest that this variant may disrupt the consensus splice site. In summary, the available evidence is currently insufficient to determine the role of this variant in disease. Therefore, it has been classified as a Variant of Uncertain Significance.

Literature cited by the submitters: PubMed 17576681; PubMed 9536098.